The following is an entry in ClinVar:

NM_014846.4(WASHC5):c.3225A>G (p.Pro1075=)

Genes: WASHC5 (WASH complex subunit 5; minus strand), LOC126860498 (P300/CBP strongly-dependent group 1 enhancer GRCh37_chr8:126043836-126045035; plus strand). Cytogenetic location: 8q24.13.
Variant type: single nucleotide variant.
Coding change: c.3225A>G on transcript NM_014846.4 (MANE Select); coding-DNA position 3225, A replaced by G.
Protein change: p.Pro1075=; no amino-acid change (proline 1075 retained).
Molecular consequence: synonymous variant.
Genome position (GRCh38, 1-based): chr8:125,032,351, T>C on the plus strand (A>G on the coding strand, the complement: WASHC5 is on the minus strand). VCF-style: chr8-125032351-T-C. GRCh37 (hg19) VCF-style: chr8-126044593-T-C.
Other names: p.Pro1075=; c.2781A>G, p.Pro927= (NM_001330609.2).
Identifiers: ClinVar variation 361712 (VCV000361712.23), dbSNP rs34569226, ClinGen allele CA4873272.

ClinVar aggregate classification (germline): Benign/Likely benign. Review status: criteria provided, multiple submitters, no conflicts (2 of 4 stars). 9 submissions from 9 submitters: Benign (5); Likely benign (3). 1 of the submissions does not count toward it. Last evaluated 2025-12-27.

Conditions:
WASHC5-related disorder. Also called: WASHC5-related condition.
Hereditary spastic paraplegia. Also called: Familial spastic paraparesis. Identifiers: Orphanet 685, MedGen C0037773, MONDO:0019064. Disease mechanism: loss of function.
Hereditary spastic paraplegia 8 (SPG8). Also called: SPASTIC PARAPLEGIA 8, AUTOSOMAL DOMINANT. Identifiers: Orphanet 100989, MedGen C1863704, MONDO:0011339, OMIM 603563.
Ritscher-Schinzel syndrome 1 (RTSC1). Identifiers: Orphanet 7, MedGen C4551776, MONDO:0009073, OMIM 220210.
Ritscher-Schinzel syndrome. Also called: CRANIOCEREBELLOCARDIAC DYSPLASIA. Identifiers: Orphanet 7, MedGen C0796137, MONDO:0019078.

Allele frequency attached by ClinVar (database versions not stated): gnomAD exomes 0.00115 and 0.00329; TOPMed 0.01413; gnomAD 0.01390 and 0.01296; 1000 Genomes Project 0.01657; ExAC 0.00406; ESP Exome Variant Server 0.01369; 1000 Genomes Project 30x 0.01796.
gnomAD v4.1: 3,734 of 1,614,158 alleles (0.23%); highest among the groups gnomAD compares: African/African-American, 4.4%; 63 homozygotes.

Submissions (9):

Labcorp Genetics (formerly Invitae), Labcorp
Classification: Benign for Ritscher-Schinzel syndrome; Hereditary spastic paraplegia 8. Last evaluated: 2025-12-27. Review status: criteria provided, single submitter. Criteria: Invitae Variant Classification Sherloc (09022015). Collection method: clinical testing. Allele origin: germline.

Genome Diagnostics Laboratory, The Hospital for Sick Children
Classification: Likely benign for Hereditary spastic paraplegia. Last evaluated: 2022-01-17. Review status: criteria provided, single submitter. Criteria: ACMG Guidelines, 2015. Collection method: clinical testing. Allele origin: germline. Affected: yes.

Fulgent Genetics
Classification: Likely benign for Ritscher-Schinzel syndrome 1; Hereditary spastic paraplegia 8. Last evaluated: 2021-09-27. Review status: criteria provided, single submitter. Criteria: ACMG Guidelines, 2015. Collection method: clinical testing. Allele origin: unknown.

Athena Diagnostics
Classification: Benign. Last evaluated: 2018-11-13. Review status: criteria provided, single submitter. Criteria: Athena Diagnostics Criteria. Collection method: clinical testing. Allele origin: germline.

Illumina Laboratory Services, Illumina
Classification: Benign for Hereditary spastic paraplegia 8. Last evaluated: 2018-01-13. Review status: criteria provided, single submitter. Criteria: ICSL Variant Classification Criteria 13 December 2019. Collection method: clinical testing. Allele origin: germline.
Comment: This variant was observed in the ICSL laboratory as part of a predisposition screen in an ostensibly healthy population. It had not been previously curated by ICSL or reported in the Human Gene Mutation Database (HGMD: prior to June 1st, 2018), and was therefore a candidate for classification through an automated scoring system. Utilizing variant allele frequency, disease prevalence and penetrance estimates, and inheritance mode, an automated score was calculated to assess if this variant is too frequent to cause the disease. Based on the score and internal cut-off values, a variant classified as benign is not then subjected to further curation. The score for this variant resulted in a classification of benign for this disease.

GeneDx
Classification: Benign. Last evaluated: 2017-01-03. Review status: criteria provided, single submitter. Criteria: GeneDx Variant Classification (06012015). Collection method: clinical testing. Allele origin: germline. Affected: yes.
Comment: This variant is considered likely benign or benign based on one or more of the following criteria: it is a conservative change, it occurs at a poorly conserved position in the protein, it is predicted to be benign by multiple in silico algorithms, and/or has population frequency not consistent with disease.

Mayo Clinic Laboratories, Mayo Clinic
Classification: Benign. Last evaluated: 2016-05-23. Review status: criteria provided, single submitter. Criteria: ACMG Guidelines, 2015. Collection method: clinical testing. Allele origin: germline. Observed: 5 variant alleles.

Breakthrough Genomics
Classification: Likely benign. Review status: criteria provided, single submitter. Criteria: ACMG Guidelines, 2015. Collection method: not provided. Allele origin: germline. Inheritance: Autosomal recessive inheritance. Affected: yes.

PreventionGenetics, part of Exact Sciences
Classification: Benign for WASHC5-related condition. Last evaluated: 2019-08-07. Review status: no assertion criteria provided. Collection method: clinical testing. Allele origin: germline. Not counted in ClinVar's aggregate classification.
Comment: This variant is classified as benign based on ACMG/AMP sequence variant interpretation guidelines (Richards et al. 2015 PMID: 25741868, with internal and published modifications).